The following is an entry in ClinVar:

NM_001378454.1(ALMS1):c.9941C>G (p.Ala3314Gly)

Gene: ALMS1 (ALMS1 centrosome and basal body associated protein; plus strand). Cytogenetic location: 2p13.1.
Variant type: single nucleotide variant.
Coding change: c.9941C>G on transcript NM_001378454.1 (MANE Select); coding-DNA position 9941, C replaced by G.
Protein change: p.Ala3314Gly; replaces alanine 3314 with glycine.
Molecular consequence: missense variant.
Genome position (GRCh38, 1-based): chr2:73,550,300, C>G. VCF-style: chr2-73550300-C-G. GRCh37 (hg19) VCF-style: chr2-73777427-C-G.
Other names: c.9944C>G, p.Ala3315Gly (NM_015120.4); short protein forms A3314G, A3315G.
Identifiers: ClinVar variation 4690161 (VCV004690161.1).
Genomic context (GRCh38, chr2:73,550,300, plus strand): 5'-TTGTATTACTTCCCCGTTTTTCTGTAGGATCCAATGATGCCATTGCTCCAGACTTCCCAG[C>G]TCAGGTGCTAGGCACAAGAGATGATGACCTCTCAGCCACTGTTAACATTAAACATAAAGA-3'
Protein context (NP_001365383.1, residues 3304-3324): SNDAIAPDFP[Ala3314Gly]QVLGTRDDDL

ClinVar aggregate classification (germline): Uncertain significance (1 of 4 stars; one submission).

Submission:

GeneDx
Classification: Uncertain significance. Last evaluated: 2025-08-02. Review status: criteria provided, single submitter. Criteria: GeneDx Variant Classification Process June 2021. Collection method: clinical testing. Allele origin: germline. Affected: yes.
Comment: Not observed at significant frequency in large population cohorts (gnomAD); In silico analysis suggests that this missense variant does not alter protein structure/function; Has not been previously published as pathogenic or benign to our knowledge